The following is an entry in ClinVar:

NM_004304.5(ALK):c.1849C>T (p.Gln617Ter)

Gene: ALK (ALK receptor tyrosine kinase; minus strand). Cytogenetic location: 2p23.2.
Variant type: single nucleotide variant.
Coding change: c.1849C>T on transcript NM_004304.5 (MANE Select); coding-DNA position 1849, C replaced by T.
Protein change: p.Gln617Ter; replaces glutamine 617 with a stop codon.
Molecular consequence: nonsense.
Genome position (GRCh38, 1-based): chr2:29,275,465, G>A on the plus strand (C>T on the coding strand, the complement: ALK is on the minus strand). VCF-style: chr2-29275465-G-A. GRCh37 (hg19) VCF-style: chr2-29498331-G-A.
Other names: c.1849C>T (NM_004304.4); short protein forms Q617*.
Identifiers: ClinVar variation 3721070 (VCV003721070.3).
Genomic context (GRCh38, chr2:29,275,465, plus strand): 5'-TGAGGTAGCAGTCCAGGCTGATGGAGATATTGTCAAAAGCCACGATGGCTCTGGATCCTT[G>A]TCCCCACCATGCGACCATCTGCAGCCAGAACCTGTACACATCAAGAGGAATGTGTGTGAG-3'

ClinVar aggregate classification (germline): Conflicting classifications of pathogenicity. Review status: criteria provided, conflicting classifications (1 of 4 stars). 2 submissions from 2 submitters: Uncertain significance (1); Likely benign (1). Last evaluated 2026-07-13.

Conditions:
Hereditary cancer-predisposing syndrome. Also called: Tumor predisposition; Hereditary neoplastic syndrome; Hereditary Cancer Syndrome; Neoplastic Syndromes, Hereditary. Identifiers: Orphanet 140162, MedGen C0027672, MeSH D009386, MONDO:0015356.
Neuroblastoma, susceptibility to, 3. Also called: ALK-Related Neuroblastic Tumor Susceptibility. Identifiers: Orphanet 635, MedGen C2751681, MONDO:0013083, OMIM 613014.

gnomAD v4.1: 1 of 1,614,162 alleles (0.000062%); highest among the groups gnomAD compares: Non-Finnish European, 0.000085%; no homozygotes.

Submissions (2):

Ambry Genetics
Classification: Likely benign for Hereditary cancer-predisposing syndrome. Last evaluated: 2026-07-13. Review status: criteria provided, single submitter. Criteria: Ambry Variant Classification Scheme 2023. Collection method: clinical testing. Allele origin: germline.

Labcorp Genetics (formerly Invitae), Labcorp
Classification: Uncertain significance for Neuroblastoma, susceptibility to, 3. Last evaluated: 2024-02-18. Review status: criteria provided, single submitter. Criteria: Invitae Variant Classification Sherloc (09022015). Collection method: clinical testing. Allele origin: germline.
Comment: This sequence change creates a premature translational stop signal (p.Gln617*) in the ALK gene. It is expected to result in an absent or disrupted protein product. However, the current clinical and genetic evidence is not sufficient to establish whether loss-of-function variants in ALK cause disease. This variant is not present in population databases (gnomAD no frequency). This variant has not been reported in the literature in individuals affected with ALK-related conditions. In summary, the available evidence is currently insufficient to determine the role of this variant in disease. Therefore, it has been classified as a Variant of Uncertain Significance.